The following is an entry in ClinVar:

NM_001304548.2(CFAP47):c.3961A>G (p.Ile1321Val)

Gene: CFAP47 (cilia and flagella associated protein 47; plus strand). Cytogenetic location: Xp21.1.
Variant type: single nucleotide variant.
Coding change: c.3961A>G on transcript NM_001304548.2 (MANE Select); coding-DNA position 3961, A replaced by G.
Protein change: p.Ile1321Val; replaces isoleucine 1321 with valine.
Molecular consequence: missense variant.
Genome position (GRCh38, 1-based): chrX:36,039,133, A>G. VCF-style: chrX-36039133-A-G. GRCh37 (hg19) VCF-style: chrX-36057250-A-G.
Other names: short protein forms I1321V.
Identifiers: ClinVar variation 3357223 (VCV003357223.1).
Genomic context (GRCh38, chrX:36,039,133, plus strand): 5'-AAATCACCAGAGTTATTGTTTGACCCTCCATTTATATTTTTCACTCCTGTTCCTTTGGAT[A>G]TAACAACTGTAATGGATATCAACATTTTACCTCAAAACTATTTCAGGTAAATACTCAATG-3'
Protein context (NP_001291477.1, residues 1311-1331): FIFFTPVPLD[Ile1321Val]TTVMDINILP

ClinVar aggregate classification (germline): Likely benign (0 of 4 stars; one submission).

Conditions:
CFAP47-related disorder. Also called: CFAP47-related condition.

gnomAD v4.1: 21 of 1,099,070 alleles (0.0019%); highest among the groups gnomAD compares: African/African-American, 0.037%; no homozygotes.

Submission:

PreventionGenetics, part of Exact Sciences
Classification: Likely benign for CFAP47-related condition. Last evaluated: 2024-05-16. Review status: no assertion criteria provided. Collection method: clinical testing. Allele origin: germline.
Comment: This variant is classified as likely benign based on ACMG/AMP sequence variant interpretation guidelines (Richards et al. 2015 PMID: 25741868, with internal and published modifications).